The following is an entry in ClinVar:

NM_001369.3(DNAH5):c.1410del (p.Phe470fs)

Gene: DNAH5 (dynein axonemal heavy chain 5; minus strand). Cytogenetic location: 5p15.2.
Variant type: Deletion.
Coding change: c.1410del on transcript NM_001369.3 (MANE Select); coding-DNA position 1410, one base deleted (T; older notation c.1410delT).
Protein change: p.Phe470fs; shifts the reading frame from phenylalanine 470.
Molecular consequence: frameshift variant.
Genome position (GRCh38, 1-based): chr5:13,913,869, A deleted on the plus strand (T on the coding strand, the reverse complement: DNAH5 is on the minus strand); the first of 5 consecutive A bases (chr5:13,913,869-13,913,873); deleting any one gives the same sequence. VCF-style (leftmost placement, unchanged base first): chr5-13913868-CA-C. GRCh37 (hg19) VCF-style: chr5-13913977-CA-C.
Other names: short protein forms F470fs.
Identifiers: ClinVar variation 5015832 (VCV005015832.1).
Genomic context (GRCh38, chr5:13,913,868, plus strand): 5'-TGAGGGTTGTAAAGATGTCTATTATCTTGGCAAGGCGTCGGTGAAAAGTTTCGAATTTTC[CA>C]AAAATATACATCTCGCTAAAATCAAATTGTTTTGCATTTGGATTTTGTTTAAGCTTTTGT-3'

ClinVar aggregate classification (germline): Pathogenic (1 of 4 stars; one submission).

Conditions:
Primary ciliary dyskinesia 3. Identifiers: Orphanet 244, MedGen C1837618, MONDO:0012085, OMIM 608644.

Submission:

Myriad Genetics, Inc.
Classification: Pathogenic for Primary ciliary dyskinesia 3. Last evaluated: 2024-05-14. Review status: criteria provided, single submitter. Criteria: Myriad Autosomal Dominant, Autosomal Recessive and X-Linked Classification Criteria (2023). Collection method: clinical testing. Allele origin: unknown.
Comment: NM_001369.2(DNAH5):c.1410delT(F470Lfs*14) is expected to be pathogenic in the context of primary ciliary dyskinesia, DNAH5-related. This variant is predicted to lead to an abnormal or absent protein product due to the creation of a premature termination codon in DNAH5, a gene where loss-of-function variants are known to be pathogenic. Please note: this variant was assessed in the context of healthy population screening.